The following is an entry in ClinVar:

NM_002474.3(MYH11):c.811G>A (p.Ala271Thr)

Gene: MYH11 (myosin heavy chain 11; minus strand). Cytogenetic location: 16p13.11.
Variant type: single nucleotide variant.
Coding change: c.811G>A on transcript NM_002474.3 (MANE Select); coding-DNA position 811, G replaced by A.
Protein change: p.Ala271Thr; replaces alanine 271 with threonine.
Molecular consequence: missense variant.
Genome position (GRCh38, 1-based): chr16:15,776,156, C>T on the plus strand (G>A on the coding strand, the complement: MYH11 is on the minus strand). VCF-style: chr16-15776156-C-T. GRCh37 (hg19) VCF-style: chr16-15870013-C-T.
Other names: c.832G>A, p.Ala278Thr (NM_001040113.2, NM_001040114.2); c.811G>A, p.Ala271Thr (NM_022844.3); short protein forms A271T, A278T.
Identifiers: ClinVar variation 263577 (VCV000263577.5), dbSNP rs886038851, ClinGen allele CA10587899.
Genomic context (GRCh38, chr16:15,776,156, plus strand): 5'-CTCCAGCAATCATGTAGTAAAAGATGTGGAATGTCCTCTCGTCTCTGGCTTGGCGAATTG[C>T]CCGTGATTTTTCTAGCAGATCTGGTTTGGAGGGAGTTAGGGATTCTGGGGATACTGCGGG-3'
Protein context (NP_002465.1, residues 261-281): IETYLLEKSR[Ala271Thr]IRQARDERTF

ClinVar aggregate classification (germline): Uncertain significance. Review status: criteria provided, multiple submitters, no conflicts (2 of 4 stars). 3 submissions from 3 submitters: Uncertain significance (3). Last evaluated 2025-06-24.

Conditions:
Cardiovascular phenotype. Identifiers: MedGen CN230736.
Familial thoracic aortic aneurysm and aortic dissection (TAAD). Also called: Thoracic aortic aneurysms and dissections. Identifiers: Orphanet 91387, MedGen C4707243, MONDO:0019625.

Allele frequency attached by ClinVar (database versions not stated): TOPMed 0.00001.

Submissions (3):

GeneDx
Classification: Uncertain significance. Last evaluated: 2025-06-24. Review status: criteria provided, single submitter. Criteria: GeneDx Variant Classification Process June 2021. Collection method: clinical testing. Allele origin: germline. Affected: yes.
Comment: Not observed at significant frequency in large population cohorts (gnomAD); In silico analysis supports that this missense variant has a deleterious effect on protein structure/function; Has not been previously published as pathogenic or benign to our knowledge

All of Us Research Program, National Institutes of Health
Classification: Uncertain significance for Familial thoracic aortic aneurysm and aortic dissection. Last evaluated: 2023-03-04. Review status: criteria provided, single submitter. Criteria: ACMG Guidelines, 2015. Collection method: clinical testing. Allele origin: germline. Inheritance: Autosomal dominant inheritance. Observed: 1 variant allele, 1 heterozygote.
Comment: This study involves interpretation of variants in research participants for the purpose of population health screening. Participant phenotype was not available at the time of variant classification. Additional details can be found in publication PMID: 35346344, PMCID: PMC8962531

Ambry Genetics
Classification: Uncertain significance for Cardiovascular phenotype. Last evaluated: 2013-03-29. Review status: criteria provided, single submitter. Criteria: Ambry Autosomal Dominant and X-Linked criteria (10/2015). Collection method: clinical testing. Allele origin: germline. Observed: 1 variant allele.
Comment: There is insufficient or conflicting evidence for classification of this alteration.